The following is an entry in ClinVar:

ClinVar aggregate classification (germline): Uncertain significance (1 of 4 stars; one submission).

Submission:

Labcorp Genetics (formerly Invitae), Labcorp
Classification: Uncertain significance. Last evaluated: 2022-10-14. Review status: criteria provided, single submitter. Criteria: Invitae Variant Classification Sherloc (09022015). Collection method: clinical testing. Allele origin: germline.
Comment: This sequence change replaces glycine, which is neutral and non-polar, with arginine, which is basic and polar, at codon 1823 of the KMT2E protein (p.Gly1823Arg). This variant is not present in population databases (gnomAD no frequency). In summary, the available evidence is currently insufficient to determine the role of this variant in disease. Therefore, it has been classified as a Variant of Uncertain Significance. Algorithms developed to predict the effect of missense changes on protein structure and function are either unavailable or do not agree on the potential impact of this missense change (SIFT: "Deleterious"; PolyPhen-2: "Possibly Damaging"; Align-GVGD: "Class C0"). This variant has not been reported in the literature in individuals affected with KMT2E-related conditions.

NM_182931.3(KMT2E):c.5467G>C (p.Gly1823Arg)

Gene: KMT2E (lysine methyltransferase 2E (inactive); plus strand). Cytogenetic location: 7q22.3.
Variant type: single nucleotide variant.
Coding change: c.5467G>C on transcript NM_182931.3 (MANE Select); coding-DNA position 5467, G replaced by C.
Protein change: p.Gly1823Arg; replaces glycine 1823 with arginine.
Molecular consequence: missense variant.
Genome position (GRCh38, 1-based): chr7:105,113,223, G>C. VCF-style: chr7-105113223-G-C. GRCh37 (hg19) VCF-style: chr7-104753670-G-C.
Other names: c.5341G>C, p.Gly1781Arg (NM_001410908.1); c.5467G>C, p.Gly1823Arg (NM_018682.4); short protein forms G1781R, G1823R.
Identifiers: ClinVar variation 1721612 (VCV001721612.5), dbSNP rs2536529715, ClinGen allele CA368795247.